The following is an entry in ClinVar:

NM_006734.4(HIVEP2):c.4629G>A (p.Met1543Ile)

Gene: HIVEP2 (HIVEP zinc finger 2; minus strand). Cytogenetic location: 6q24.2.
Variant type: single nucleotide variant.
Coding change: c.4629G>A on transcript NM_006734.4 (MANE Select); coding-DNA position 4629, G replaced by A.
Protein change: p.Met1543Ile; replaces methionine 1543 with isoleucine.
Molecular consequence: missense variant.
Genome position (GRCh38, 1-based): chr6:142,770,110, C>T on the plus strand (G>A on the coding strand, the complement: HIVEP2 is on the minus strand). VCF-style: chr6-142770110-C-T. GRCh37 (hg19) VCF-style: chr6-143091247-C-T.
Other names: short protein forms M1543I.
Identifiers: ClinVar variation 2401751 (VCV002401751.7), dbSNP rs369099985, ClinGen allele CA4028041.

ClinVar aggregate classification (germline): Likely benign. Review status: criteria provided, multiple submitters, no conflicts (2 of 4 stars). 3 submissions from 3 submitters: Likely benign (3). Last evaluated 2026-06-01.

Conditions:
Inborn genetic diseases. Identifiers: MedGen C0950123, MeSH D030342.

Allele frequency attached by ClinVar (database versions not stated): gnomAD exomes below 0.00001; ExAC 0.00002; gnomAD 0.00007; TOPMed 0.00009; ESP Exome Variant Server 0.00016.

Submissions (3):

CeGaT Center for Human Genetics Tuebingen
Classification: Likely benign. Last evaluated: 2026-06-01. Review status: criteria provided, single submitter. Criteria: CeGaT Center For Human Genetics Tuebingen Variant Classification Criteria Version 2. Collection method: clinical testing. Allele origin: germline. Affected: yes. Observed: 1 variant allele.
Comment: HIVEP2: BP4

Labcorp Genetics (formerly Invitae), Labcorp
Classification: Likely benign. Last evaluated: 2025-12-07. Review status: criteria provided, single submitter. Criteria: Invitae Variant Classification Sherloc (09022015). Collection method: clinical testing. Allele origin: germline.

Ambry Genetics
Classification: Likely benign for Inborn genetic diseases. Last evaluated: 2022-11-21. Review status: criteria provided, single submitter. Criteria: Ambry Variant Classification Scheme 2023. Collection method: clinical testing. Allele origin: germline.